The following is an entry in ClinVar:

ClinVar aggregate classification (germline): Uncertain significance (1 of 4 stars; one submission).

Conditions:
CHARGE syndrome (CHARGE). Also called: Hittner Hirsch Kreh syndrome; CHARGE ASSOCIATION--COLOBOMA, HEART ANOMALY, CHOANAL ATRESIA, RETARDATION, GENITAL AND EAR ANOMALIES; Coloboma, heart anomaly, choanal atresia, retardation, genital and ear anomalies; CHARGE association; Hall-Hittner syndrome. Identifiers: Orphanet 138, MedGen C0265354, MONDO:0008965.

Submission:

Labcorp Genetics (formerly Invitae), Labcorp
Classification: Uncertain significance for CHARGE syndrome. Last evaluated: 2017-01-13. Review status: criteria provided, single submitter. Criteria: Invitae Variant Classification Sherloc (09022015). Collection method: clinical testing. Allele origin: germline.
Comment: This variant is not present in population databases (ExAC no frequency) and has not been reported in the literature in individuals with a CHD7-related disease. This sequence change replaces arginine with serine at codon 960 of the CHD7 protein (p.Arg960Ser). The arginine residue is highly conserved and there is a moderate physicochemical difference between arginine and serine. Algorithms developed to predict the effect of missense changes on protein structure and function (SIFT, PolyPhen-2, Align-GVGD) all suggest that this variant is likely to be disruptive, but these predictions have not been confirmed by published functional studies. In summary, this variant is a novel missense change with uncertain impact on protein function. It has been classified as a Variant of Uncertain Significance. Algorithms developed to predict the effect of sequence changes on RNA splicing suggest that this variant may alter RNA splicing, but this prediction has not been confirmed by published transcriptional studies.

NM_017780.4(CHD7):c.2880G>T (p.Arg960Ser)

Gene: CHD7 (chromodomain helicase DNA binding protein 7; plus strand). Cytogenetic location: 8q12.2.
Variant type: single nucleotide variant.
Coding change: c.2880G>T on transcript NM_017780.4 (MANE Select); coding-DNA position 2880, G replaced by T.
Protein change: p.Arg960Ser; replaces arginine 960 with serine.
Molecular consequence: missense variant. On other transcripts: intron variant (1).
Genome position (GRCh38, 1-based): chr8:60,822,068, G>T. VCF-style: chr8-60822068-G-T. GRCh37 (hg19) VCF-style: chr8-61734627-G-T.
Other names: c.1717-40161G>T (NM_001316690.1); short protein forms R960S.
Identifiers: ClinVar variation 459543 (VCV000459543.8), dbSNP rs1554597489, ClinGen allele CA371308302.